The following is an entry in ClinVar:

NM_024685.4(BBS10):c.901C>G (p.Leu301Val)

Gene: BBS10 (Bardet-Biedl syndrome 10; minus strand). Cytogenetic location: 12q21.2.
Variant type: single nucleotide variant.
Coding change: c.901C>G on transcript NM_024685.4 (MANE Select); coding-DNA position 901, C replaced by G.
Protein change: p.Leu301Val; replaces leucine 301 with valine.
Molecular consequence: missense variant.
Genome position (GRCh38, 1-based): chr12:76,347,084, G>C on the plus strand (C>G on the coding strand, the complement: BBS10 is on the minus strand). VCF-style: chr12-76347084-G-C. GRCh37 (hg19) VCF-style: chr12-76740864-G-C.
Other names: c.901C>G, p.Leu301Val (LRG_1255t1); short protein forms L301V.
Identifiers: ClinVar variation 546713 (VCV000546713.48), dbSNP rs1555202666, ClinGen allele CA385813708.

ClinVar aggregate classification (germline): Uncertain significance. Review status: criteria provided, multiple submitters, no conflicts (2 of 4 stars). 2 submissions from 2 submitters: Uncertain significance (2). Last evaluated 2022-06-27.

Conditions:
Bardet-Biedl syndrome (BBS). Identifiers: Orphanet 110, MedGen C0752166, MONDO:0015229.

Submissions (2):

Labcorp Genetics (formerly Invitae), Labcorp
Classification: Uncertain significance for Bardet-Biedl syndrome. Last evaluated: 2022-06-27. Review status: criteria provided, single submitter. Criteria: Invitae Variant Classification Sherloc (09022015). Collection method: clinical testing. Allele origin: germline.
Comment: In summary, the available evidence is currently insufficient to determine the role of this variant in disease. Therefore, it has been classified as a Variant of Uncertain Significance. Algorithms developed to predict the effect of missense changes on protein structure and function (SIFT, PolyPhen-2, Align-GVGD) all suggest that this variant is likely to be disruptive. ClinVar contains an entry for this variant (Variation ID: 546713). This variant has not been reported in the literature in individuals affected with BBS10-related conditions. This variant is not present in population databases (gnomAD no frequency). This sequence change replaces leucine, which is neutral and non-polar, with valine, which is neutral and non-polar, at codon 301 of the BBS10 protein (p.Leu301Val).

CeGaT Center for Human Genetics Tuebingen
Classification: Uncertain significance. Last evaluated: 2017-11-01. Review status: criteria provided, single submitter. Criteria: CeGaT Center For Human Genetics Tuebingen Variant Classification Criteria Version 2. Collection method: clinical testing. Allele origin: germline. Affected: yes. Observed: 1 variant allele.